The following is an entry in ClinVar:

NM_152424.4(AMER1):c.1400G>T (p.Ser467Ile)

Gene: AMER1 (APC membrane recruitment protein 1; minus strand). Cytogenetic location: Xq11.2.
Variant type: single nucleotide variant.
Coding change: c.1400G>T on transcript NM_152424.4 (MANE Select); coding-DNA position 1400, G replaced by T.
Protein change: p.Ser467Ile; replaces serine 467 with isoleucine.
Molecular consequence: missense variant.
Genome position (GRCh38, 1-based): chrX:64,191,887, C>A on the plus strand (G>T on the coding strand, the complement: AMER1 is on the minus strand). VCF-style: chrX-64191887-C-A. GRCh37 (hg19) VCF-style: chrX-63411767-C-A.
Other names: short protein forms S467I.
Identifiers: ClinVar variation 3652041 (VCV003652041.2).

ClinVar aggregate classification (germline): Uncertain significance (1 of 4 stars; one submission).

Submission:

Labcorp Genetics (formerly Invitae), Labcorp
Classification: Uncertain significance. Last evaluated: 2024-05-02. Review status: criteria provided, single submitter. Criteria: Invitae Variant Classification Sherloc (09022015). Collection method: clinical testing. Allele origin: germline.
Comment: This sequence change replaces serine, which is neutral and polar, with isoleucine, which is neutral and non-polar, at codon 467 of the AMER1 protein (p.Ser467Ile). This variant is not present in population databases (gnomAD no frequency). This variant has not been reported in the literature in individuals affected with AMER1-related conditions. An algorithm developed to predict the effect of missense changes on protein structure and function (PolyPhen-2) suggests that this variant is likely to be disruptive. In summary, the available evidence is currently insufficient to determine the role of this variant in disease. Therefore, it has been classified as a Variant of Uncertain Significance.